The following is an entry in ClinVar:

ClinVar aggregate classification (germline): Uncertain significance (1 of 4 stars; one submission).

Conditions:
Nemaline myopathy 2 (NEM2). Also called: Nemaline myopathy 2, autosomal recessive. Identifiers: MedGen C1850569, MONDO:0009725, OMIM 256030.

Submission:

Labcorp Genetics (formerly Invitae), Labcorp
Classification: Uncertain significance for Nemaline myopathy 2. Last evaluated: 2022-06-04. Review status: criteria provided, single submitter. Criteria: Invitae Variant Classification Sherloc (09022015). Collection method: clinical testing. Allele origin: germline.
Comment: This variant has not been reported in the literature in individuals affected with NEB-related conditions. ClinVar contains an entry for this variant (Variation ID: 952950). Algorithms developed to predict the effect of missense changes on protein structure and function are either unavailable or do not agree on the potential impact of this missense change (SIFT: "Deleterious"; PolyPhen-2: "Not Available"; Align-GVGD: "Class C0"). In summary, the available evidence is currently insufficient to determine the role of this variant in disease. Therefore, it has been classified as a Variant of Uncertain Significance. This variant is not present in population databases (gnomAD no frequency). This sequence change replaces leucine, which is neutral and non-polar, with histidine, which is basic and polar, at codon 5894 of the NEB protein (p.Leu5894His).

NM_001164508.2(NEB):c.17681T>A (p.Leu5894His)

Gene: NEB (nebulin; minus strand). Cytogenetic location: 2q23.3.
Variant type: single nucleotide variant.
Coding change: c.17681T>A on transcript NM_001164508.2 (MANE Select); coding-DNA position 17681, T replaced by A.
Protein change: p.Leu5894His; replaces leucine 5894 with histidine.
Molecular consequence: missense variant.
Genome position (GRCh38, 1-based): chr2:151,568,371, A>T on the plus strand (T>A on the coding strand, the complement: NEB is on the minus strand). VCF-style: chr2-151568371-A-T. GRCh37 (hg19) VCF-style: chr2-152424885-A-T.
Other names: c.17681T>A, p.Leu5894His (NM_001164507.2, NM_001271208.2); c.12578T>A, p.Leu4193His (NM_004543.5); short protein forms L5894H, L4193H.
Identifiers: ClinVar variation 952950 (VCV000952950.9), dbSNP rs201072996, ClinGen allele CA348804959.